The following is an entry in ClinVar:

NM_172351.3(CD46):c.*897T>C

Gene: CD46 (CD46 molecule; plus strand). Cytogenetic location: 1q32.2.
Variant type: single nucleotide variant.
Coding change: c.*897T>C on transcript NM_172351.3 (MANE Select); 897 bases downstream of the stop codon, T replaced by C.
Molecular consequence: 3 prime UTR variant.
Genome position (GRCh38, 1-based): chr1:207,794,374, T>C. VCF-style: chr1-207794374-T-C. GRCh37 (hg19) VCF-style: chr1-207967719-T-C.
Other names: c.*783T>C (NM_153826.4, NM_172353.3, NM_172356.3 and 2 more transcripts); c.*779T>C (NM_172350.3, NM_172358.3); c.*897T>C (NM_172352.3, NM_172355.3, NM_172357.3 and 2 more transcripts).
Identifiers: ClinVar variation 294983 (VCV000294983.7), dbSNP rs7144, ClinGen allele CA10608930.

ClinVar aggregate classification (germline): Benign. Review status: criteria provided, multiple submitters, no conflicts (2 of 4 stars). 3 submissions from 3 submitters: Benign (3). Last evaluated 2025-10-02.

Conditions:
Atypical hemolytic-uremic syndrome. Identifiers: Orphanet 2134, MedGen C2931788, MONDO:0016244.
Atypical hemolytic-uremic syndrome with MCP/CD46 anomaly. Also called: HEMOLYTIC UREMIC SYNDROME, ATYPICAL, SUSCEPTIBILITY TO, 2; AHUS, SUSCEPTIBILITY TO, 2. Identifiers: Orphanet 2134, MedGen C2752040, MONDO:0013040, OMIM 612922.

Allele frequency attached by ClinVar (database versions not stated): 1000 Genomes Project 0.34724; 1000 Genomes Project 30x 0.35306; gnomAD 0.39990 and 0.40706; TOPMed 0.40722; gnomAD exomes 0.66667.
gnomAD v4.1: 60,576 of 152,018 alleles (40%); highest among the groups gnomAD compares: Admixed American, 49%; 12,400 homozygotes.

Submissions (3):

Genomenon, Inc
Classification: Benign for Atypical hemolytic-uremic syndrome. Last evaluated: 2025-10-02. Review status: criteria provided, single submitter. Criteria: Genomenon Sequence Variant Interpretation Standards. Collection method: curation. Allele origin: germline. Affected: no.
Comment: CD46 c.*897T>C is a variant located in the 3′ untranslated region (3′ UTR). This variant has been reported in the published literature (PMID:26604087;38765562;24904082;31118930;36845135;27190382;23431077;33224962;30046676). This variant is present at high allele frequency in population databases. In conclusion, we classify CD46 c.*897T>C as a benign variant.

Illumina Laboratory Services, Illumina
Classification: Benign for Atypical hemolytic-uremic syndrome with MCP/CD46 anomaly. Last evaluated: 2018-01-13. Review status: criteria provided, single submitter. Criteria: ICSL Variant Classification Criteria 13 December 2019. Collection method: clinical testing. Allele origin: germline.
Comment: This variant was observed in the ICSL laboratory as part of a predisposition screen in an ostensibly healthy population. It had not been previously curated by ICSL or reported in the Human Gene Mutation Database (HGMD: prior to June 1st, 2018), and was therefore a candidate for classification through an automated scoring system. Utilizing variant allele frequency, disease prevalence and penetrance estimates, and inheritance mode, an automated score was calculated to assess if this variant is too frequent to cause the disease. Based on the score and internal cut-off values, a variant classified as benign is not then subjected to further curation. The score for this variant resulted in a classification of benign for this disease.

Breakthrough Genomics
Classification: Benign. Review status: criteria provided, single submitter. Criteria: ACMG Guidelines, 2015. Collection method: not provided. Allele origin: germline. Inheritance: Autosomal recessive inheritance. Affected: yes.

Literature cited by the submitters: PubMed 38765562 (cited by Genomenon, Inc); PubMed 24904082 (cited by Genomenon, Inc); PubMed 31118930 (cited by Genomenon, Inc); PubMed 36845135 (cited by Genomenon, Inc); PubMed 27190382 (cited by Genomenon, Inc); PubMed 23431077 (cited by Genomenon, Inc); PubMed 33224962 (cited by Genomenon, Inc); PubMed 30046676 (cited by Genomenon, Inc).